The following is an entry in ClinVar:

ClinVar aggregate classification (germline): Uncertain significance (1 of 4 stars; one submission).

Submission:

GeneDx
Classification: Uncertain significance. Last evaluated: 2023-04-26. Review status: criteria provided, single submitter. Criteria: GeneDx Variant Classification Process June 2021. Collection method: clinical testing. Allele origin: germline. Affected: yes.
Comment: Not observed at significant frequency in large population cohorts (gnomAD); In silico analysis supports that this missense variant has a deleterious effect on protein structure/function; Has not been previously published as pathogenic or benign to our knowledge; This variant is associated with the following publications: (PMID: 15235021, 22850631)

NM_004360.5(CDH1):c.463G>C (p.Asp155His)

Gene: CDH1 (cadherin 1; plus strand). Cytogenetic location: 16q22.1.
Variant type: single nucleotide variant.
Coding change: c.463G>C on transcript NM_004360.5 (MANE Select); coding-DNA position 463, G replaced by C.
Protein change: p.Asp155His; replaces aspartic acid 155 with histidine.
Molecular consequence: missense variant. On other transcripts: 5 prime UTR variant (2).
Genome position (GRCh38, 1-based): chr16:68,808,499, G>C. VCF-style: chr16-68808499-G-C. GRCh37 (hg19) VCF-style: chr16-68842402-G-C.
Other names: c.463G>C, p.Asp155His (NM_001317184.2); c.-1153G>C (NM_001317185.2); c.-1357G>C (NM_001317186.2); short protein forms D155H.
Identifiers: ClinVar variation 3343188 (VCV003343188.1).
Genomic context (GRCh38, chr16:68,808,499, plus strand): 5'-ATCCAAGCAGAATTGCTCACATTTCCCAACTCCTCTCCTGGCCTCAGAAGACAGAAGAGA[G>C]ACTGGGTTATTCCTCCCATCAGCTGCCCAGAAAATGAAAAAGGCCCATTTCCTAAAAACC-3'
Protein context (NP_004351.1, residues 145-165): SSPGLRRQKR[Asp155His]WVIPPISCPE